The following is an entry in ClinVar:

ClinVar aggregate classification (germline): Uncertain significance. Review status: criteria provided, multiple submitters, no conflicts (2 of 4 stars). 5 submissions from 5 submitters: Uncertain significance (5). Last evaluated 2025-06-15.

Conditions:
Dyskeratosis congenita, X-linked (DKCX). Also called: Zinsser-Cole-Engman Syndrome. Identifiers: MedGen C1148551, MONDO:0010584, OMIM 305000.
Hoyeraal-Hreidarsson syndrome (HHS). Also called: CEREBELLAR HYPOPLASIA WITH PANCYTOPENIA. Identifiers: Orphanet 3322, MedGen C1846142, MONDO:0018045.
Cataracts, hearing impairment, nephrotic syndrome, and enterocolitis 1 (CHINE1). Identifiers: MedGen C5829571, MONDO:0958178, OMIM 301108.
Dyskeratosis congenita. Identifiers: Orphanet 1775, MedGen C0265965, MONDO:0015780.

Allele frequency attached by ClinVar (database versions not stated): gnomAD 0.00001; TOPMed 0.00001; gnomAD exomes 0.00013.
gnomAD v4.1: 133 of 1,209,195 alleles (0.011%); highest among the groups gnomAD compares: Non-Finnish European, 0.015%; no homozygotes.

Submissions (5):

Labcorp Genetics (formerly Invitae), Labcorp
Classification: Uncertain significance for Dyskeratosis congenita. Last evaluated: 2025-06-15. Review status: criteria provided, single submitter. Criteria: Invitae Variant Classification Sherloc (09022015). Collection method: clinical testing. Allele origin: germline.
Comment: This sequence change replaces glutamine, which is neutral and polar, with glutamic acid, which is acidic and polar, at codon 414 of the DKC1 protein (p.Gln414Glu). This variant is present in population databases (rs782342974, gnomAD 0.003%). This variant has not been reported in the literature in individuals affected with DKC1-related conditions. ClinVar contains an entry for this variant (Variation ID: 2444898). Invitae Evidence Modeling of protein sequence and biophysical properties (such as structural, functional, and spatial information, amino acid conservation, physicochemical variation, residue mobility, and thermodynamic stability) indicates that this missense variant is not expected to disrupt DKC1 protein function with a negative predictive value of 80%. In summary, the available evidence is currently insufficient to determine the role of this variant in disease. Therefore, it has been classified as a Variant of Uncertain Significance.

Fulgent Genetics
Classification: Uncertain significance for Cataracts, hearing impairment, nephrotic syndrome, and enterocolitis 1; Dyskeratosis congenita, X-linked. Last evaluated: 2024-04-30. Review status: criteria provided, single submitter. Criteria: ACMG Guidelines, 2015. Collection method: clinical testing. Allele origin: germline.

Ambry Genetics
Classification: Uncertain significance for Dyskeratosis congenita. Last evaluated: 2024-03-25. Review status: criteria provided, single submitter. Criteria: Ambry Variant Classification Scheme 2023. Collection method: clinical testing. Allele origin: germline.

St. Jude Molecular Pathology, St. Jude Children's Research Hospital
Classification: Uncertain significance for Dyskeratosis congenita, X-linked. Last evaluated: 2022-11-15. Review status: criteria provided, single submitter. Criteria: St. Jude Assertion Criteria 2020. Collection method: clinical testing. Allele origin: germline.
Comment: The DKC1 c.1240C>G (p.Gln414Glu) missense change has a maximum subpopulation frequency of 0.0025% in gnomAD v2.1.1 including one hemizygote. The in silico tool REVEL predicts a benign effect on protein function (REVEL = 0.18), but to our knowledge this prediction has not been confirmed by functional studies. Of note, all variants in exon 12 reported in the literature in individuals with dyskeratosis congenita have REVEL scores greater than 0.70. This variant has not been reported in the literature in individuals with dyskeratosis congenita. In summary, the evidence currently available is insufficient to determine the clinical significance of this variant. It has therefore been classified as of uncertain significance.

Genetics and Molecular Pathology, SA Pathology
Classification: Uncertain significance for Hoyeraal-Hreidarsson syndrome. Last evaluated: 2020-02-06. Review status: criteria provided, single submitter. Criteria: ACMG Guidelines, 2015. Collection method: clinical testing. Allele origin: germline. Inheritance: X-linked recessive inheritance. Affected: yes.

NM_001363.5(DKC1):c.1240C>G (p.Gln414Glu)

Gene: DKC1 (dyskerin pseudouridine synthase 1; plus strand). Cytogenetic location: Xq28.
Variant type: single nucleotide variant.
Coding change: c.1240C>G on transcript NM_001363.5 (MANE Select); coding-DNA position 1240, C replaced by G.
Protein change: p.Gln414Glu; replaces glutamine 414 with glutamic acid.
Molecular consequence: missense variant. On other transcripts: non-coding transcript variant (3).
Genome position (GRCh38, 1-based): chrX:154,774,686, C>G. VCF-style: chrX-154774686-C-G. GRCh37 (hg19) VCF-style: chrX-154002961-C-G.
Other names: c.1240C>G, p.Gln414Glu (NM_001142463.3, NM_001288747.2); short protein forms Q414E.
Identifiers: ClinVar variation 2444898 (VCV002444898.6), dbSNP rs782342974, ClinGen allele CA337313036.